The following is an entry in ClinVar:

NM_001278512.2(AP3B2):c.2594T>C (p.Leu865Pro)

Genes: AP3B2 (adaptor related protein complex 3 subunit beta 2; minus strand), CPEB1-AS1 (CPEB1 antisense RNA 1; plus strand). Cytogenetic location: 15q25.2.
Variant type: single nucleotide variant.
Coding change: c.2594T>C on transcript NM_001278512.2 (MANE Select); coding-DNA position 2594, T replaced by C.
Protein change: p.Leu865Pro; replaces leucine 865 with proline.
Molecular consequence: missense variant.
Genome position (GRCh38, 1-based): chr15:82,663,137, A>G on the plus strand (T>C on the coding strand, the complement: AP3B2 is on the minus strand). VCF-style: chr15-82663137-A-G. GRCh37 (hg19) VCF-style: chr15-83331889-A-G.
Other names: c.2441T>C, p.Leu814Pro (NM_001278511.2); c.2537T>C, p.Leu846Pro (NM_004644.5); short protein forms L814P, L846P, L865P.
Identifiers: ClinVar variation 1396042 (VCV001396042.6), dbSNP rs2151427971, ClinGen allele CA393309369.

ClinVar aggregate classification (germline): Uncertain significance (1 of 4 stars; one submission).

Submission:

Labcorp Genetics (formerly Invitae), Labcorp
Classification: Uncertain significance. Last evaluated: 2021-12-02. Review status: criteria provided, single submitter. Criteria: Invitae Variant Classification Sherloc (09022015). Collection method: clinical testing. Allele origin: germline.
Comment: In summary, the available evidence is currently insufficient to determine the role of this variant in disease. Therefore, it has been classified as a Variant of Uncertain Significance. Algorithms developed to predict the effect of missense changes on protein structure and function are either unavailable or do not agree on the potential impact of this missense change (SIFT: "Deleterious"; PolyPhen-2: "Possibly Damaging"; Align-GVGD: "Class C0"). This variant has not been reported in the literature in individuals affected with AP3B2-related conditions. This sequence change replaces leucine, which is neutral and non-polar, with proline, which is neutral and non-polar, at codon 846 of the AP3B2 protein (p.Leu846Pro). This variant is not present in population databases (gnomAD no frequency).